The following is an entry in ClinVar:

NM_014049.5(ACAD9):c.1661del (p.Ile554fs)

Genes: ACAD9 (acyl-CoA dehydrogenase family member 9; plus strand), CFAP92 (cilia and flagella associated protein 92 (putative); minus strand). Cytogenetic location: 3q21.3.
Variant type: Deletion.
Coding change: c.1661del on transcript NM_014049.5 (MANE Select); coding-DNA position 1661, one base deleted (T; older notation c.1661delT).
Protein change: p.Ile554fs; shifts the reading frame from isoleucine 554.
Molecular consequence: frameshift variant. On other transcripts: non-coding transcript variant (1), 3 prime UTR variant (3).
Genome position (GRCh38, 1-based): chr3:128,910,118, T deleted. VCF-style (leftmost placement, unchanged base first): chr3-128910117-AT-A. GRCh37 (hg19) VCF-style: chr3-128628960-AT-A.
Other names: c.1292del, p.Ile431fs (NM_001410805.1); c.*181del (NM_001348520.2, NM_001348521.2, NM_001394090.1); short protein forms I554fs, I431fs.
Identifiers: ClinVar variation 2130200 (VCV002130200.4), dbSNP rs1559832410, ClinGen allele CA917004041.
Genomic context (GRCh38, chr3:128,910,117, plus strand): 5'-GCCAACATCCTCATCAACCTGTATGGCATGACGGCCGTGCTGTCGCGGGCCAGCCGCTCC[AT>A]CCGCATTGGGCTCCGCAACCACGACCACGAGGTGAGCCCAGCCCAGCCTCACACAGGGCC-3'

ClinVar aggregate classification (germline): Pathogenic (1 of 4 stars; one submission).

Allele frequency attached by ClinVar (database versions not stated): gnomAD exomes below 0.00001.

Submission:

Labcorp Genetics (formerly Invitae), Labcorp
Classification: Pathogenic. Last evaluated: 2022-04-24. Review status: criteria provided, single submitter. Criteria: Invitae Variant Classification Sherloc (09022015). Collection method: clinical testing. Allele origin: germline.
Comment: For these reasons, this variant has been classified as Pathogenic. This variant disrupts a region of the ACAD9 protein in which other variant(s) (p.Pro616Ser) have been determined to be pathogenic (PMID: 25326637, 30831263). This suggests that this is a clinically significant region of the protein, and that variants that disrupt it are likely to be disease-causing. This variant has not been reported in the literature in individuals affected with ACAD9-related conditions. This variant is not present in population databases (gnomAD no frequency). This sequence change creates a premature translational stop signal (p.Ile554Thrfs*41) in the ACAD9 gene. While this is not anticipated to result in nonsense mediated decay, it is expected to disrupt the last 68 amino acid(s) of the ACAD9 protein.

Literature cited by the submitters: PubMed 25326637; PubMed 30831263.